The following is an entry in ClinVar:

NM_000064.4(C3):c.3124C>G (p.Arg1042Gly)

Gene: C3 (complement C3; minus strand). Cytogenetic location: 19p13.3.
Variant type: single nucleotide variant.
Coding change: c.3124C>G on transcript NM_000064.4 (MANE Select); coding-DNA position 3124, C replaced by G.
Protein change: p.Arg1042Gly; replaces arginine 1042 with glycine.
Molecular consequence: missense variant.
Genome position (GRCh38, 1-based): chr19:6,694,461, G>C on the plus strand (C>G on the coding strand, the complement: C3 is on the minus strand). VCF-style: chr19-6694461-G-C. GRCh37 (hg19) VCF-style: chr19-6694472-G-C.
Other names: short protein forms R1042G.
Identifiers: ClinVar variation 2138194 (VCV002138194.5), dbSNP rs550043629, ClinGen allele CA403628516.

ClinVar aggregate classification (germline): Uncertain significance. Review status: criteria provided, multiple submitters, no conflicts (2 of 4 stars). 2 submissions from 2 submitters: Uncertain significance (2). Last evaluated 2025-09-30.

Conditions:
Atypical hemolytic-uremic syndrome. Identifiers: Orphanet 2134, MedGen C2931788, MONDO:0016244.

Submissions (2):

Genomenon, Inc
Classification: Uncertain significance for Atypical hemolytic-uremic syndrome. Last evaluated: 2025-09-30. Review status: criteria provided, single submitter. Criteria: Genomenon Sequence Variant Interpretation Standards. Collection method: curation. Allele origin: germline. Affected: yes.
Comment: C3 p.Arg1042Gly (c.3124C>G) is a missense variant that changes the amino acid at residue 1042 from Arginine to Glycine. This variant has been observed in at least one proband affected with atypical hemolytic uremic syndrome (PMID:25608561;25899302). Functional studies have been reported; however, the significance of the findings remain unclear (PMID:25608561). It is absent or not present at a significant frequency in gnomAD. In silico models agree that this variant is possibly or probably damaging. In conclusion, we classify C3 p.Arg1042Gly (c.3124C>G) as a variant of unknown significance.

Labcorp Genetics (formerly Invitae), Labcorp
Classification: Uncertain significance. Last evaluated: 2022-03-29. Review status: criteria provided, single submitter. Criteria: Invitae Variant Classification Sherloc (09022015). Collection method: clinical testing. Allele origin: germline.
Comment: In summary, the available evidence is currently insufficient to determine the role of this variant in disease. Therefore, it has been classified as a Variant of Uncertain Significance. Experimental studies have shown that this missense change affects C3 function (PMID: 25608561). Algorithms developed to predict the effect of missense changes on protein structure and function are either unavailable or do not agree on the potential impact of this missense change (SIFT: "Tolerated"; PolyPhen-2: "Probably Damaging"; Align-GVGD: "Class C25"). This missense change has been observed in individual(s) with clinical features of C3-related conditions (PMID: 25608561, 30443255; Invitae). This variant is not present in population databases (gnomAD no frequency). This sequence change replaces arginine, which is basic and polar, with glycine, which is neutral and non-polar, at codon 1042 of the C3 protein (p.Arg1042Gly).

Literature cited by the submitters: PubMed 25608561 (cited by Genomenon, Inc and Labcorp Genetics (formerly Invitae), Labcorp); PubMed 25899302 (cited by Genomenon, Inc); PubMed 30443255 (cited by Labcorp Genetics (formerly Invitae), Labcorp).